The following is an entry in ClinVar:

ClinVar aggregate classification (germline): Uncertain significance (1 of 4 stars; one submission).

Submission:

Labcorp Genetics (formerly Invitae), Labcorp
Classification: Uncertain significance. Last evaluated: 2025-05-02. Review status: criteria provided, single submitter. Criteria: Invitae Variant Classification Sherloc (09022015). Collection method: clinical testing. Allele origin: germline.
Comment: This sequence change replaces leucine, which is neutral and non-polar, with phenylalanine, which is neutral and non-polar, at codon 1578 of the LRP6 protein (p.Leu1578Phe). This variant is not present in population databases (gnomAD no frequency). This variant has not been reported in the literature in individuals affected with LRP6-related conditions. Invitae Evidence Modeling of protein sequence and biophysical properties (such as structural, functional, and spatial information, amino acid conservation, physicochemical variation, residue mobility, and thermodynamic stability) indicates that this missense variant is not expected to disrupt LRP6 protein function with a negative predictive value of 80%. In summary, the available evidence is currently insufficient to determine the role of this variant in disease. Therefore, it has been classified as a Variant of Uncertain Significance.

NM_002336.3(LRP6):c.4734G>T (p.Leu1578Phe)

Gene: LRP6 (LDL receptor related protein 6; minus strand). Cytogenetic location: 12p13.2.
Variant type: single nucleotide variant.
Coding change: c.4734G>T on transcript NM_002336.3 (MANE Select); coding-DNA position 4734, G replaced by T.
Protein change: p.Leu1578Phe; replaces leucine 1578 with phenylalanine.
Molecular consequence: missense variant. On other transcripts: 3 prime UTR variant (1), non-coding transcript variant (1).
Genome position (GRCh38, 1-based): chr12:12,121,234, C>A on the plus strand (G>T on the coding strand, the complement: LRP6 is on the minus strand). VCF-style: chr12-12121234-C-A. GRCh37 (hg19) VCF-style: chr12-12274168-C-A.
Other names: c.4827G>T, p.Leu1609Phe (NM_001414244.1); c.4734G>T, p.Leu1578Phe (NM_001414245.1); c.4599G>T, p.Leu1533Phe (NM_001414246.1); c.4536G>T, p.Leu1512Phe (NM_001414247.1); c.*210G>T (NM_001414248.1); c.4371G>T, p.Leu1457Phe (NM_001414251.1); c.4281G>T, p.Leu1427Phe (NM_001414252.1, NM_001414253.1, NM_001414254.1); c.4227G>T, p.Leu1409Phe (NM_001414255.1); short protein forms L1512F, L1609F, L1409F, L1427F, L1578F, L1457F, L1533F.
Identifiers: ClinVar variation 4741624 (VCV004741624.1).